The following is an entry in ClinVar:

NM_014140.4(SMARCAL1):c.1069T>A (p.Phe357Ile)

Gene: SMARCAL1 (SNF2 related chromatin remodeling annealing helicase 1; plus strand). Cytogenetic location: 2q35.
Variant type: single nucleotide variant.
Coding change: c.1069T>A on transcript NM_014140.4 (MANE Select); coding-DNA position 1069, T replaced by A.
Protein change: p.Phe357Ile; replaces phenylalanine 357 with isoleucine.
Molecular consequence: missense variant.
Genome position (GRCh38, 1-based): chr2:216,420,505, T>A. VCF-style: chr2-216420505-T-A. GRCh37 (hg19) VCF-style: chr2-217285228-T-A.
Other names: c.1069T>A, p.Phe357Ile (NM_001127207.2); short protein forms F357I.
Identifiers: ClinVar variation 664419 (VCV000664419.8), dbSNP rs369180164, ClinGen allele CA2097766.

ClinVar aggregate classification (germline): Conflicting classifications of pathogenicity. Review status: criteria provided, conflicting classifications (1 of 4 stars). 5 submissions from 5 submitters: Likely pathogenic (1); Uncertain significance (3). 1 of the submissions does not count toward it. Last evaluated 2025-02-28.

Conditions:
Schimke immuno-osseous dysplasia (SIOD). Also called: Schimke Immunoosseous Dysplasia. Identifiers: Orphanet 1830, MedGen C0877024, MONDO:0009458, OMIM 242900.
Inborn genetic diseases. Identifiers: MedGen C0950123, MeSH D030342.

Allele frequency attached by ClinVar (database versions not stated): gnomAD 0.00003 and 0.00004; TOPMed 0.00004; gnomAD exomes 0.00007; ExAC 0.00008; ESP Exome Variant Server 0.00008.
gnomAD v4.1: 46 of 1,613,940 alleles (0.0029%); highest among the groups gnomAD compares: Middle Eastern, 0.033%; no homozygotes.

Submissions (5):

Clinical Genomics, G42 Labs
Classification: Likely pathogenic for Schimke immuno-osseous dysplasia. Last evaluated: 2025-02-28. Review status: criteria provided, single submitter. Criteria: ACMG Guidelines, 2015. Collection method: clinical testing. Allele origin: germline. Inheritance: Autosomal recessive inheritance. Affected: yes.
Comment: The c.1069T>A, p.(Phe357Ile) is a missense variant in the SMARCAL1 gene, which results in the amino acid substitution of Isoleucine for Phenylalanine at codon 357. Allele frequency of this variant in GnomAD population database is 0.003% (5/ 152214 alleles, no homozygotes). Multiple lines of computational evidence support a deleterious effect on the gene or gene product. Three clinical laboratories have classified this variant as variant of uncertain significance for Schimke immuno-osseous dysplasia (Clinvar ID: VCV000664419.8). This variant is observed to seggregate among three affected individuals in the reported family (Data from G42 Internal Database). Based on the above reasons, this variant is classified as Likely pathogenic. ACMG Criteria: PM2, PM1, PP3, PP1, PP4 - Likley pathogenic

Ambry Genetics
Classification: Uncertain significance for Inborn genetic diseases. Last evaluated: 2024-11-09. Review status: criteria provided, single submitter. Criteria: Ambry Variant Classification Scheme 2023. Collection method: clinical testing. Allele origin: germline.

Fulgent Genetics
Classification: Uncertain significance for Schimke immuno-osseous dysplasia. Last evaluated: 2024-05-28. Review status: criteria provided, single submitter. Criteria: ACMG Guidelines, 2015. Collection method: clinical testing. Allele origin: germline.

Labcorp Genetics (formerly Invitae), Labcorp
Classification: Uncertain significance for Schimke immuno-osseous dysplasia. Last evaluated: 2022-08-10. Review status: criteria provided, single submitter. Criteria: Invitae Variant Classification Sherloc (09022015). Collection method: clinical testing. Allele origin: germline.
Comment: This sequence change replaces phenylalanine, which is neutral and non-polar, with isoleucine, which is neutral and non-polar, at codon 357 of the SMARCAL1 protein (p.Phe357Ile). This variant is present in population databases (rs369180164, gnomAD 0.03%). This variant has not been reported in the literature in individuals affected with SMARCAL1-related conditions. ClinVar contains an entry for this variant (Variation ID: 664419). Algorithms developed to predict the effect of missense changes on protein structure and function are either unavailable or do not agree on the potential impact of this missense change (SIFT: "Tolerated"; PolyPhen-2: "Probably Damaging"; Align-GVGD: "Class C0"). In summary, the available evidence is currently insufficient to determine the role of this variant in disease. Therefore, it has been classified as a Variant of Uncertain Significance.

Natera, Inc.
Classification: Uncertain significance for Schimke immuno-osseous dysplasia. Last evaluated: 2020-08-03. Review status: no assertion criteria provided. Collection method: clinical testing. Allele origin: germline. Not counted in ClinVar's aggregate classification.